The following is an entry in ClinVar:

ClinVar aggregate classification (germline): Uncertain significance (1 of 4 stars; one submission).

Conditions:
Familial adenomatous polyposis 1 (FAP1). Also called: FAMILIAL ADENOMATOUS POLYPOSIS 1, ATTENUATED; POLYPOSIS, ADENOMATOUS INTESTINAL. Identifiers: MedGen C2713442, MONDO:0021056, OMIM 175100. Disease mechanism: loss of function.

Submission:

Labcorp Genetics (formerly Invitae), Labcorp
Classification: Uncertain significance for Familial adenomatous polyposis 1. Last evaluated: 2025-01-23. Review status: criteria provided, single submitter. Criteria: Invitae Variant Classification Sherloc (09022015). Collection method: clinical testing. Allele origin: germline.
Comment: This sequence change replaces serine, which is neutral and polar, with asparagine, which is neutral and polar, at codon 644 of the APC protein (p.Ser644Asn). This variant is not present in population databases (gnomAD no frequency). This variant has not been reported in the literature in individuals affected with APC-related conditions. Invitae Evidence Modeling of protein sequence and biophysical properties (such as structural, functional, and spatial information, amino acid conservation, physicochemical variation, residue mobility, and thermodynamic stability) indicates that this missense variant is not expected to disrupt APC protein function with a negative predictive value of 95%. In summary, the available evidence is currently insufficient to determine the role of this variant in disease. Therefore, it has been classified as a Variant of Uncertain Significance.

NM_000038.6(APC):c.1931G>A (p.Ser644Asn)

Gene: APC (APC regulator of Wnt signaling pathway; plus strand). Cytogenetic location: 5q22.2.
Variant type: single nucleotide variant.
Coding change: c.1931G>A on transcript NM_000038.6 (MANE Select); coding-DNA position 1931, G replaced by A.
Protein change: p.Ser644Asn; replaces serine 644 with asparagine.
Molecular consequence: missense variant. On other transcripts: non-coding transcript variant (2).
Genome position (GRCh38, 1-based): chr5:112,835,138, G>A. VCF-style: chr5-112835138-G-A. GRCh37 (hg19) VCF-style: chr5-112170835-G-A.
Other names: c.1682G>A, p.Ser561Asn (NM_001407456.1, NM_001407457.1, NM_001407454.1 and 1 more transcripts); c.1628G>A, p.Ser543Asn (NM_001407458.1, NM_001407459.1, NM_001407460.1 and 1 more transcripts); c.1544G>A, p.Ser515Asn (NM_001407467.1, NM_001407469.1); c.1082G>A, p.Ser361Asn (NM_001407470.1, NM_001354906.2); c.779G>A, p.Ser260Asn (NM_001407471.1, NM_001407472.1); c.1931G>A, p.Ser644Asn (NM_001127510.3, NM_001354895.2, NM_001407450.1); c.1877G>A, p.Ser626Asn (NM_001127511.3); c.1985G>A, p.Ser662Asn (NM_001354896.2, NM_001407447.1, NM_001407448.1 and 1 more transcripts); and 11 more; short protein forms S616N, S672N, S260N, S561N, S634N, S637N, S654N, S361N.
Identifiers: ClinVar variation 3697331 (VCV003697331.2).